The following is an entry in ClinVar:

NM_013390.3(CEMIP2):c.663T>C (p.Phe221=)

Gene: CEMIP2 (cell migration inducing hyaluronidase 2; minus strand). Cytogenetic location: 9q21.13.
Variant type: single nucleotide variant.
Coding change: c.663T>C on transcript NM_013390.3 (MANE Select); coding-DNA position 663, T replaced by C.
Protein change: p.Phe221=; no amino-acid change (phenylalanine 221 retained).
Molecular consequence: synonymous variant. On other transcripts: 5 prime UTR variant (1).
Genome position (GRCh38, 1-based): chr9:71,745,389, A>G on the plus strand (T>C on the coding strand, the complement: CEMIP2 is on the minus strand). VCF-style: chr9-71745389-A-G. GRCh37 (hg19) VCF-style: chr9-74360305-A-G.
Other names: c.663T>C, p.Phe221= (NM_001135820.2); c.-1218T>C (NM_001349784.2).
Identifiers: ClinVar variation 2659255 (VCV002659255.24), dbSNP rs775319133, ClinGen allele CA465498088.

ClinVar aggregate classification (germline): Likely benign (1 of 4 stars; one submission).

Allele frequency attached by ClinVar (database versions not stated): gnomAD exomes below 0.00001.
gnomAD v4.1: 3 of 1,614,092 alleles (0.00019%); highest among the groups gnomAD compares: African/African-American, 0.0013%; no homozygotes.

Submission:

CeGaT Center for Human Genetics Tuebingen
Classification: Likely benign. Last evaluated: 2023-03-01. Review status: criteria provided, single submitter. Criteria: CeGaT Center For Human Genetics Tuebingen Variant Classification Criteria Version 2. Collection method: clinical testing. Allele origin: germline. Affected: yes. Observed: 1 variant allele.
Comment: CEMIP2: PM2:Supporting, BP4, BP7